The following is an entry in ClinVar:

ClinVar aggregate classification (germline): Pathogenic/Likely pathogenic. Review status: criteria provided, multiple submitters, no conflicts (2 of 4 stars). 2 submissions from 2 submitters: Pathogenic (1); Likely pathogenic (1). Last evaluated 2022-04-26.

Conditions:
Intellectual developmental disorder, autosomal recessive 47. Also called: Intellectual disability, autosomal recessive 47. Identifiers: Orphanet 88616, MedGen C4015444, MONDO:0014524, OMIM 616193.

Submissions (2):

Department of Pathology and Laboratory Medicine, Sinai Health System
Classification: Likely pathogenic for Intellectual developmental disorder, autosomal recessive 47. Last evaluated: 2022-04-26. Review status: criteria provided, single submitter. Criteria: ACMG Guidelines, 2015. Collection method: research. Allele origin: germline.

Baylor Genetics
Classification: Pathogenic for Intellectual developmental disorder, autosomal recessive 47. Last evaluated: 2019-03-07. Review status: criteria provided, single submitter. Criteria: ACMG Guidelines, 2015. Collection method: clinical testing. Allele origin: unknown. Affected: yes.
Comment: This variant was determined to be pathogenic according to ACMG Guidelines, 2015 [PMID:25741868].

NM_020066.5(FMN2):c.1550del (p.Pro517fs)

Gene: FMN2 (formin 2; plus strand). Cytogenetic location: 1q43.
Variant type: Deletion.
Coding change: c.1550del on transcript NM_020066.5 (MANE Select); coding-DNA position 1550, one base deleted (C; older notation c.1550delC).
Protein change: p.Pro517fs; shifts the reading frame from proline 517.
Molecular consequence: frameshift variant.
Genome position (GRCh38, 1-based): chr1:240,093,659, C deleted; the last of 4 consecutive C bases (chr1:240,093,656-240,093,659); deleting any one gives the same sequence. VCF-style (leftmost placement, unchanged base first): chr1-240093655-TC-T. GRCh37 (hg19) VCF-style: chr1-240256955-TC-T.
Other names: c.1550del, p.Pro517fs (NM_001305424.2, NM_001348094.2); short protein forms P517fs.
Identifiers: ClinVar variation 1028638 (VCV001028638.2), dbSNP rs1390970926, ClinGen allele CA530378731.